The following is an entry in ClinVar:

NM_001170629.2(CHD8):c.4744C>T (p.Arg1582Ter)

Gene: CHD8 (chromodomain helicase DNA binding protein 8; minus strand). Cytogenetic location: 14q11.2.
Variant type: single nucleotide variant.
Coding change: c.4744C>T on transcript NM_001170629.2 (MANE Select); coding-DNA position 4744, C replaced by T.
Protein change: p.Arg1582Ter; replaces arginine 1582 with a stop codon.
Molecular consequence: nonsense.
Genome position (GRCh38, 1-based): chr14:21,400,054, G>A on the plus strand (C>T on the coding strand, the complement: CHD8 is on the minus strand). VCF-style: chr14-21400054-G-A. GRCh37 (hg19) VCF-style: chr14-21868213-G-A.
Other names: c.3907C>T, p.Arg1303Ter (NM_020920.4); short protein forms R1582*, R1303*.
Identifiers: ClinVar variation 1033349 (VCV001033349.10), dbSNP rs1555314211, ClinGen allele CA388890302.

ClinVar aggregate classification (germline): Pathogenic/Likely pathogenic. Review status: criteria provided, multiple submitters, no conflicts (2 of 4 stars). 6 submissions from 6 submitters: Pathogenic (5); Likely pathogenic (1). Last evaluated 2025-08-06.

Conditions:
Inborn genetic diseases. Identifiers: MedGen C0950123, MeSH D030342.
Intellectual developmental disorder with autism and macrocephaly. Also called: Autism, susceptibility to, 18; CHD8-Related Neurodevelopmental Disorder with Overgrowth. Identifiers: Orphanet 642675, MedGen C3554373, MONDO:0014017, OMIM 615032.

Submissions (6):

GeneDx
Classification: Pathogenic. Last evaluated: 2025-08-06. Review status: criteria provided, single submitter. Criteria: GeneDx Variant Classification Process June 2021. Collection method: clinical testing. Allele origin: germline. Affected: yes.
Comment: Nonsense variant predicted to result in protein truncation or nonsense mediated decay in a gene for which loss of function is a known mechanism of disease; Not observed at significant frequency in large population cohorts (gnomAD); Has not been previously published as pathogenic or benign to our knowledge

Dasa
Classification: Pathogenic. Last evaluated: 2024-11-05. Review status: criteria provided, single submitter. Criteria: DASA Assertion Criteria. Collection method: clinical testing. Allele origin: germline.
Comment: NM_001170629.2(CHD8):c.4744C>T (p.Arg1582*) introduces a premature termination codon predicted to result in loss of normal protein function. Loss-of-function is an established mechanism of disease for this gene. This variant has been reported in individuals with related phenotype. The variant is present at low frequency in population datasets. Based on the available data, this variant is classified as pathogenic.

Ambry Genetics
Classification: Pathogenic for Inborn genetic diseases. Last evaluated: 2023-10-17. Review status: criteria provided, single submitter. Criteria: Ambry Variant Classification Scheme 2023. Collection method: clinical testing. Allele origin: germline.
Comment: The c.4744C>T (p.R1582*) alteration, located in exon 24 (coding exon 24) of the CHD8 gene, consists of a C to T substitution at nucleotide position 4744. This changes the amino acid from a arginine (R) to a stop codon at amino acid position 1582. This alteration is expected to result in loss of function by premature protein truncation or nonsense-mediated mRNA decay. This variant was not reported in population-based cohorts in the Genome Aggregation Database (gnomAD). Based on the available evidence, this alteration is classified as pathogenic.

3billion
Classification: Pathogenic for Intellectual developmental disorder with autism and macrocephaly. Last evaluated: 2021-10-02. Review status: criteria provided, single submitter. Criteria: ACMG Guidelines, 2015. Collection method: clinical testing. Allele origin: germline. Affected: yes. Observed: 1 heterozygote.
Comment: Stop-gained (nonsense): predicted to result in a loss or disruption of normal protein function through nonsense-mediated decay (NMD) or protein truncation. Multiple pathogenic variants are reported downstream of the variant (PVS1_VS). The variant was observed as assumed (i.e. paternity and maternity not confirmed) de novoo (3billion dataset, PM6). It is not observed in the gnomAD v2.1.1 dataset (PM2). Therefore, this variant is classified as pathogenic according to the recommendation of ACMG/AMP guideline.

Labcorp Genetics (formerly Invitae), Labcorp
Classification: Pathogenic. Last evaluated: 2021-02-14. Review status: criteria provided, single submitter. Criteria: Invitae Variant Classification Sherloc (09022015). Collection method: clinical testing. Allele origin: germline.
Comment: This sequence change creates a premature translational stop signal (p.Arg1582*) in the CHD8 gene. It is expected to result in an absent or disrupted protein product. Loss-of-function variants in CHD8 are known to be pathogenic (PMID: 24998929, 26789910). For these reasons, this variant has been classified as Pathogenic. This variant has not been reported in the literature in individuals with CHD8-related conditions. This variant is not present in population databases (ExAC no frequency).

Baylor Genetics
Classification: Likely pathogenic for Intellectual developmental disorder with autism and macrocephaly. Last evaluated: 2018-06-18. Review status: criteria provided, single submitter. Criteria: ACMG Guidelines, 2015. Collection method: clinical testing. Allele origin: unknown. Affected: yes.
Comment: This variant was determined to be likely pathogenic according to ACMG Guidelines, 2015 [PMID:25741868].

Literature cited by the submitters: PubMed 24998929 (cited by Labcorp Genetics (formerly Invitae), Labcorp); PubMed 26789910 (cited by Labcorp Genetics (formerly Invitae), Labcorp).